The following is an entry in ClinVar:

ClinVar aggregate classification (germline): Uncertain significance. Review status: criteria provided, multiple submitters, no conflicts (2 of 4 stars). 2 submissions from 2 submitters: Uncertain significance (2). Last evaluated 2022-04-24.

Conditions:
Developmental and epileptic encephalopathy, 28 (DEE28). Also called: Epileptic encephalopathy, early infantile, 28. Identifiers: Orphanet 442835, MedGen C4015519, MONDO:0014533, OMIM 616211.
Autosomal recessive spinocerebellar ataxia 12. Also called: SPINOCEREBELLAR ATAXIA WITH MENTAL RETARDATION AND EPILEPSY. Identifiers: Orphanet 284282, MedGen C3280452, MONDO:0013687, OMIM 614322.
Developmental and epileptic encephalopathy, 1 (DEE1). Also called: X-linked infantile spasms; West's syndrome; Tonic spasms with clustering, arrest of psychomotor development and hypsarrhythmia on EEG; X-Linked Infantile Spasm Syndrome; OHTAHARA SYNDROME, X-LINKED; Epileptic encephalopathy, early infantile, 1. Identifiers: MedGen C3463992, MONDO:0010632, OMIM 308350. Disease mechanism: loss of function.

Allele frequency attached by ClinVar (database versions not stated): ExAC 0.00004; gnomAD 0.00001; gnomAD exomes 0.00002; TOPMed 0.00002; ESP Exome Variant Server 0.00008.
gnomAD v4.1: 34 of 1,613,832 alleles (0.0021%); highest among the groups gnomAD compares: Admixed American, 0.005%; no homozygotes.

Submissions (2):

Labcorp Genetics (formerly Invitae), Labcorp
Classification: Uncertain significance for Developmental and epileptic encephalopathy, 1; Autosomal recessive spinocerebellar ataxia 12. Last evaluated: 2022-04-24. Review status: criteria provided, single submitter. Criteria: Invitae Variant Classification Sherloc (09022015). Collection method: clinical testing. Allele origin: germline.
Comment: This sequence change replaces arginine, which is basic and polar, with histidine, which is basic and polar, at codon 167 of the WWOX protein (p.Arg167His). This variant is present in population databases (rs377356629, gnomAD 0.009%). This variant has not been reported in the literature in individuals affected with WWOX-related conditions. Algorithms developed to predict the effect of missense changes on protein structure and function are either unavailable or do not agree on the potential impact of this missense change (SIFT: "Not Available"; PolyPhen-2: "Benign"; Align-GVGD: "Not Available"). In summary, the available evidence is currently insufficient to determine the role of this variant in disease. Therefore, it has been classified as a Variant of Uncertain Significance.

Victorian Clinical Genetics Services, Murdoch Childrens Research Institute
Classification: Uncertain significance for Developmental and epileptic encephalopathy, 28. Last evaluated: 2021-05-06. Review status: criteria provided, single submitter. Criteria: ACMG Guidelines, 2015. Collection method: clinical testing. Allele origin: germline. Inheritance: Autosomal recessive inheritance. Affected: yes.
Comment: Based on the classification scheme VCGS_Germline_v1.3.4, this variant is classified as VUS-3C. Following criteria are met: 0102 - Loss of function is a known mechanism of disease in this gene and is associated with developmental and epileptic encephalopathy 28 (MIM#616211). (I) 0106 - This gene is associated with autosomal recessive disease. (I) 0200 - Variant is predicted to result in a missense amino acid change from arginine to histidine. (I) 0251 - This variant is heterozygous. (I) 0304 - Variant is present in gnomAD (v2) <0.01 for a recessive condition (6 heterozygotes, 0 homozygotes). (SP) 0309 - An alternative amino acid change at the same position has been observed in gnomAD (v2) (25 heterozygotes, 0 homozygotes). (I) 0503 - Missense variant consistently predicted to be tolerated by multiple in silico tools or not conserved in placental mammals with a minor amino acid change. (SB) 0600 - Variant is located in the annotated SDR superfamily (NCBI). (I) 0705 - No comparable missense variants have previous evidence for pathogenicity. (I) 0807 - This variant has no previous evidence of pathogenicity. (I) 0905 - No published segregation evidence has been identified for this variant. (I) 1007 - No published functional evidence has been identified for this variant. (I) 1208 - Inheritance information for this variant is not currently available in this individual. (I) Legend: (SP) - Supporting pathogenic, (I) - Information, (SB) - Supporting benign

NM_016373.4(WWOX):c.500G>A (p.Arg167His)

Gene: WWOX (WW domain containing oxidoreductase; plus strand). Cytogenetic location: 16q23.1.
Variant type: single nucleotide variant.
Coding change: c.500G>A on transcript NM_016373.4 (MANE Select); coding-DNA position 500, G replaced by A.
Protein change: p.Arg167His; replaces arginine 167 with histidine.
Molecular consequence: missense variant. On other transcripts: non-coding transcript variant (1).
Genome position (GRCh38, 1-based): chr16:78,164,273, G>A. VCF-style: chr16-78164273-G-A. GRCh37 (hg19) VCF-style: chr16-78198170-G-A.
Other names: c.161G>A, p.Arg54His (NM_001291997.2); c.500G>A, p.Arg167His (NM_130791.5); short protein forms R167H, R54H.
Identifiers: ClinVar variation 1383452 (VCV001383452.4), dbSNP rs377356629, ClinGen allele CA8183231.
Genomic context (GRCh38, chr16:78,164,273, plus strand): 5'-ATGGTGCACATGTGATCTTGGCCTGCAGGAACATGGCAAGGGCGAGTGAAGCAGTGTCAC[G>A]CATTTTAGAAGAATGGGTAAGTGCTTGACTGTTGTTGTTTTTTTTAATTGTCAAATACAC-3'
Protein context (NP_057457.1, residues 157-177): NMARASEAVS[Arg167His]ILEEWHKAKV